The following is an entry in ClinVar:

ClinVar aggregate classification (germline): Likely benign (1 of 4 stars; one submission).

Conditions:
CUX1-related disorder. Also called: CUX1-related condition.

gnomAD v4.1: 15 of 1,614,094 alleles (0.00093%); highest among the groups gnomAD compares: East Asian, 0.029%; no homozygotes.

Submission:

PreventionGenetics, part of Exact Sciences
Classification: Likely benign for CUX1-related condition. Last evaluated: 2025-10-14. Review status: criteria provided, single submitter. Criteria: ACMG Guidelines, 2015. Collection method: clinical testing. Allele origin: germline.
Comment: This variant is classified as likely benign based on ACMG/AMP sequence variant interpretation guidelines (Richards et al. 2015 PMID: 25741868, with internal and published modifications).

NM_181552.4(CUX1):c.1755C>G (p.Ser585=)

Gene: CUX1 (cut like homeobox 1; plus strand). Cytogenetic location: 7q22.1.
Variant type: single nucleotide variant.
Coding change: c.1755C>G on transcript NM_181552.4 (MANE Select); coding-DNA position 1755, C replaced by G.
Protein change: p.Ser585=; no amino-acid change (serine 585 retained).
Molecular consequence: synonymous variant. On other transcripts: intron variant (5).
Genome position (GRCh38, 1-based): chr7:102,197,166, C>G. VCF-style: chr7-102197166-C-G. GRCh37 (hg19) VCF-style: chr7-101840446-C-G.
Other names: c.1788C>G, p.Ser596= (NM_001202543.2); c.1255+1563C>G (NM_001913.5); c.1249+1563C>G (NM_181500.4); c.1117+1563C>G (NM_001202545.3); c.1207+1563C>G (NM_001202544.3); c.1138+1563C>G (NM_001202546.3).
Identifiers: ClinVar variation 4989809 (VCV004989809.1).